The following is an entry in ClinVar:

ClinVar aggregate classification (germline): Uncertain significance (0 of 4 stars; one submission).

Conditions:
SHANK2-related disorder.

gnomAD v4.1: 1 of 1,613,588 alleles (0.000062%); highest among the groups gnomAD compares: Admixed American, 0.0017%; no homozygotes.

Submission:

PreventionGenetics, part of Exact Sciences
Classification: Uncertain significance for SHANK2-related condition. Last evaluated: 2024-06-21. Review status: no assertion criteria provided. Collection method: clinical testing. Allele origin: germline.
Comment: The SHANK2 c.4127T>C variant is predicted to result in the amino acid substitution p.Val1376Ala. To our knowledge, this variant has not been reported in the literature or in a large population database, indicating this variant is rare. At this time, the clinical significance of this variant is uncertain due to the absence of conclusive functional and genetic evidence.

NM_012309.5(SHANK2):c.4127T>C (p.Val1376Ala)

Gene: SHANK2 (SH3 and multiple ankyrin repeat domains 2; minus strand). Cytogenetic location: 11q13.3.
Variant type: single nucleotide variant.
Coding change: c.4127T>C on transcript NM_012309.5 (MANE Select); coding-DNA position 4127, T replaced by C.
Protein change: p.Val1376Ala; replaces valine 1376 with alanine.
Molecular consequence: missense variant.
Genome position (GRCh38, 1-based): chr11:70,486,166, A>G on the plus strand (T>C on the coding strand, the complement: SHANK2 is on the minus strand). VCF-style: chr11-70486166-A-G. GRCh37 (hg19) VCF-style: chr11-70332271-A-G.
Other names: c.2990T>C, p.Val997Ala (NM_001379226.1); c.2363T>C, p.Val788Ala (NM_133266.5); short protein forms V1376A, V788A, V997A.
Identifiers: ClinVar variation 3347504 (VCV003347504.1).
Genomic context (GRCh38, chr11:70,486,166, plus strand): 5'-AGAGGGGGAGGAGGGATGCGGAATGGCAAAATCACCGCCTCTTCCATGGAGCCCACCGCG[A>G]CGATGGTTCTGCCGGGCACGGTGGTGGGCTCGGGGGCAGCGGAGATCTGTAAAGCACCTT-3'
Protein context (NP_036441.2, residues 1366-1386): EPTTVPGRTI[Val1376Ala]AVGSMEEAVI